The following is an entry in ClinVar:

ClinVar aggregate classification (germline): Uncertain significance. Review status: criteria provided, multiple submitters, no conflicts (2 of 4 stars). 2 submissions from 2 submitters: Uncertain significance (2). Last evaluated 2023-11-21.

gnomAD v4.1: 12 of 1,614,042 alleles (0.00074%); highest among the groups gnomAD compares: Middle Eastern, 0.016%; no homozygotes.

Submissions (2):

Blueprint Genetics
Classification: Uncertain significance. Last evaluated: 2023-11-21. Review status: criteria provided, single submitter. Criteria: ACMG Guidelines, 2015. Collection method: clinical testing. Allele origin: germline.

Labcorp Genetics (formerly Invitae), Labcorp
Classification: Uncertain significance. Last evaluated: 2019-12-20. Review status: criteria provided, single submitter. Criteria: Invitae Variant Classification Sherloc (09022015). Collection method: clinical testing. Allele origin: germline.
Comment: In summary, the available evidence is currently insufficient to determine the role of this variant in disease. Therefore, it has been classified as a Variant of Uncertain Significance. Algorithms developed to predict the effect of missense changes on protein structure and function are either unavailable or do not agree on the potential impact of this missense change (SIFT: "Tolerated"; PolyPhen-2: "Possibly Damaging"; Align-GVGD: "Class C0"). This variant has not been reported in the literature in individuals with PCARE-related conditions. This variant is present in population databases (rs763558017, ExAC 0.006%). This sequence change replaces proline with leucine at codon 779 of the PCARE protein (p.Pro779Leu). The proline residue is highly conserved and there is a moderate physicochemical difference between proline and leucine.

NM_001029883.3(PCARE):c.2336C>T (p.Pro779Leu)

Gene: PCARE (photoreceptor cilium actin regulator; minus strand). Cytogenetic location: 2p23.2.
Variant type: single nucleotide variant.
Coding change: c.2336C>T on transcript NM_001029883.3 (MANE Select); coding-DNA position 2336, C replaced by T.
Protein change: p.Pro779Leu; replaces proline 779 with leucine.
Molecular consequence: missense variant.
Genome position (GRCh38, 1-based): chr2:29,071,926, G>A on the plus strand (C>T on the coding strand, the complement: PCARE is on the minus strand). VCF-style: chr2-29071926-G-A. GRCh37 (hg19) VCF-style: chr2-29294792-G-A.
Other names: short protein forms P779L.
Identifiers: ClinVar variation 835030 (VCV000835030.8), dbSNP rs763558017, ClinGen allele CA1592226.